The following is an entry in ClinVar:

NM_000124.4(ERCC6):c.2134_2135del (p.Thr712fs)

Gene: ERCC6 (ERCC excision repair 6, chromatin remodeling factor; minus strand). Cytogenetic location: 10q11.23.
Variant type: Deletion.
Coding change: c.2134_2135del on transcript NM_000124.4 (MANE Select); coding-DNA positions 2134 to 2135, 2 bases deleted (AC; older notation c.2134_2135delAC).
Protein change: p.Thr712fs; shifts the reading frame from threonine 712.
Molecular consequence: frameshift variant.
Genome position (GRCh38, 1-based): chr10:49,482,721-49,482,722, GT deleted on the plus strand (AC on the coding strand, the reverse complement: ERCC6 is on the minus strand); deleting any 2 consecutive bases within chr10:49,482,721-49,482,723 gives the same sequence; the c. name uses the placement nearest the transcript's 3' end. VCF-style (leftmost placement, unchanged base first): chr10-49482720-GGT-G. GRCh37 (hg19) VCF-style: chr10-50690766-GGT-G.
Other names: c.2134_2135del, p.Thr712fs (NM_001346440.2); short protein forms T712fs.
Identifiers: ClinVar variation 1726814 (VCV001726814.2), dbSNP rs2496006798, ClinGen allele CA2580081547.

ClinVar aggregate classification (germline): Likely pathogenic (1 of 4 stars; one submission).

Conditions:
Cockayne syndrome type 2 (CSB). Also called: COCKAYNE SYNDROME B; Cockayne Syndrome, Type II. Identifiers: Orphanet 191, Orphanet 90322, MedGen C0751038, MONDO:0019570, OMIM 133540.

Submission:

Myriad Genetics, Inc.
Classification: Likely pathogenic for Cockayne syndrome type 2. Last evaluated: 2022-01-02. Review status: criteria provided, single submitter. Criteria: Myriad Women's Health Autosomal Recessive and X-Linked Classification Criteria (2021). Collection method: clinical testing. Allele origin: unknown.
Comment: NM_000124.2(ERCC6):c.2134_2135delAC(T712Hfs*47) is expected to be pathogenic in the context of ERCC6-related disorders. This variant is predicted to lead to an abnormal or absent protein product due to the creation of a premature termination codon in ERCC6, a gene where loss-of-function variants are known to be pathogenic. Please note: this variant was assessed in the context of healthy population screening.